The following is an entry in ClinVar:

NM_001142800.2(EYS):c.3143C>G (p.Ser1048Ter)

Gene: EYS (EGF-like photoreceptor maintenance factor; minus strand). Cytogenetic location: 6q12.
Variant type: single nucleotide variant.
Coding change: c.3143C>G on transcript NM_001142800.2 (MANE Select); coding-DNA position 3143, C replaced by G.
Protein change: p.Ser1048Ter; replaces serine 1048 with a stop codon.
Molecular consequence: nonsense.
Genome position (GRCh38, 1-based): chr6:64,822,672, G>C on the plus strand (C>G on the coding strand, the complement: EYS is on the minus strand). VCF-style: chr6-64822672-G-C. GRCh37 (hg19) VCF-style: chr6-65532565-G-C.
Other names: c.3143C>G, p.Ser1048Ter (NM_001292009.2); short protein forms S1048*.
Identifiers: ClinVar variation 2675336 (VCV002675336.4), dbSNP rs2533168805, ClinGen allele CA364787405.

ClinVar aggregate classification (germline): Pathogenic/Likely pathogenic. Review status: criteria provided, multiple submitters, no conflicts (2 of 4 stars). 2 submissions from 2 submitters: Pathogenic (1); Likely pathogenic (1). Last evaluated 2023-09-09.

Conditions:
Retinitis pigmentosa 25 (RP25). Identifiers: Orphanet 791, MedGen C1864446, MONDO:0011272, OMIM 602772.

Submissions (2):

Labcorp Genetics (formerly Invitae), Labcorp
Classification: Pathogenic. Last evaluated: 2023-09-09. Review status: criteria provided, single submitter. Criteria: Invitae Variant Classification Sherloc (09022015). Collection method: clinical testing. Allele origin: germline.
Comment: This sequence change creates a premature translational stop signal (p.Ser1048*) in the EYS gene. It is expected to result in an absent or disrupted protein product. Loss-of-function variants in EYS are known to be pathogenic (PMID: 18836446, 20333770). This variant is not present in population databases (gnomAD no frequency). This variant has not been reported in the literature in individuals affected with EYS-related conditions. For these reasons, this variant has been classified as Pathogenic.

Baylor Genetics
Classification: Likely pathogenic for Retinitis pigmentosa 25. Last evaluated: 2022-02-16. Review status: criteria provided, single submitter. Criteria: ACMG Guidelines, 2015. Collection method: clinical testing. Allele origin: unknown.

Literature cited by the submitters: PubMed 18836446 (cited by Labcorp Genetics (formerly Invitae), Labcorp); PubMed 20333770 (cited by Labcorp Genetics (formerly Invitae), Labcorp).